The following is an entry in ClinVar:

NM_001382273.1(TNK2):c.2824A>G (p.Asn942Asp)

Gene: TNK2 (tyrosine kinase non receptor 2; minus strand). Cytogenetic location: 3q29.
Variant type: single nucleotide variant.
Coding change: c.2824A>G on transcript NM_001382273.1 (MANE Select); coding-DNA position 2824, A replaced by G.
Protein change: p.Asn942Asp; replaces asparagine 942 with aspartic acid.
Molecular consequence: missense variant. On other transcripts: non-coding transcript variant (15).
Genome position (GRCh38, 1-based): chr3:195,867,474, T>C on the plus strand (A>G on the coding strand, the complement: TNK2 is on the minus strand). VCF-style: chr3-195867474-T-C. GRCh37 (hg19) VCF-style: chr3-195594345-T-C.
Other names: c.2896A>G, p.Asn966Asp (NM_001010938.2, NM_001382272.1); c.2875A>G, p.Asn959Asp (NM_001308046.2, NM_001382271.1); c.2824A>G, p.Asn942Asp (NM_001382274.1, NM_001387716.1, NM_001387717.1 and 1 more transcripts); c.2920A>G, p.Asn974Asp (NM_001382275.1, NM_001387707.1); c.2779A>G, p.Asn927Asp (NM_001386164.1, NM_001387709.1, NM_001387710.1 and 8 more transcripts); c.2851A>G, p.Asn951Asp (NM_001387708.1, NM_001387715.1); short protein forms N966D, N951D, N959D, N927D, N942D, N974D.
Identifiers: ClinVar variation 2351274 (VCV002351274.5), dbSNP rs370771381, ClinGen allele CA2775792.

ClinVar aggregate classification (germline): Uncertain significance. Review status: criteria provided, multiple submitters, no conflicts (2 of 4 stars). 2 submissions from 2 submitters: Uncertain significance (2). Last evaluated 2025-04-03.

Allele frequency attached by ClinVar (database versions not stated): ExAC 0.00006; gnomAD 0.00006; ESP Exome Variant Server 0.00008; TOPMed 0.00008; gnomAD exomes 0.00012.
gnomAD v4.1: 178 of 1,580,034 alleles (0.011%); highest among the groups gnomAD compares: Non-Finnish European, 0.015%; no homozygotes.

Submissions (2):

Ambry Genetics
Classification: Uncertain significance. Last evaluated: 2025-04-03. Review status: criteria provided, single submitter. Criteria: Ambry Variant Classification Scheme 2023. Collection method: clinical testing. Allele origin: germline.

Labcorp Genetics (formerly Invitae), Labcorp
Classification: Uncertain significance. Last evaluated: 2024-09-30. Review status: criteria provided, single submitter. Criteria: Invitae Variant Classification Sherloc (09022015). Collection method: clinical testing. Allele origin: germline.
Comment: This sequence change replaces asparagine, which is neutral and polar, with aspartic acid, which is acidic and polar, at codon 1005 of the TNK2 protein (p.Asn1005Asp). This variant is present in population databases (rs370771381, gnomAD 0.008%). This variant has not been reported in the literature in individuals affected with TNK2-related conditions. ClinVar contains an entry for this variant (Variation ID: 2351274). An algorithm developed to predict the effect of missense changes on protein structure and function (PolyPhen-2) suggests that this variant is likely to be disruptive. In summary, the available evidence is currently insufficient to determine the role of this variant in disease. Therefore, it has been classified as a Variant of Uncertain Significance.